The following is an entry in ClinVar:

ClinVar aggregate classification (germline): Uncertain significance. Review status: criteria provided, multiple submitters, no conflicts (2 of 4 stars). 2 submissions from 2 submitters: Uncertain significance (2). Last evaluated 2022-03-19.

Allele frequency attached by ClinVar (database versions not stated): gnomAD exomes 0.00002 and 0.00007; ExAC 0.00011; TOPMed 0.00028; gnomAD 0.00033 and 0.00036; ESP Exome Variant Server 0.00038; 1000 Genomes Project 0.00060; 1000 Genomes Project 30x 0.00062.
gnomAD v4.1: 82 of 1,613,006 alleles (0.0051%); highest among the groups gnomAD compares: African/African-American, 0.11%; no homozygotes.

Submissions (2):

Labcorp Genetics (formerly Invitae), Labcorp
Classification: Uncertain significance. Last evaluated: 2022-03-19. Review status: criteria provided, single submitter. Criteria: Invitae Variant Classification Sherloc (09022015). Collection method: clinical testing. Allele origin: germline.
Comment: This sequence change replaces proline, which is neutral and non-polar, with serine, which is neutral and polar, at codon 410 of the ZNF341 protein (p.Pro410Ser). This variant is present in population databases (rs140769699, gnomAD 0.1%). This variant has not been reported in the literature in individuals affected with ZNF341-related conditions. Algorithms developed to predict the effect of missense changes on protein structure and function (SIFT, PolyPhen-2, Align-GVGD) all suggest that this variant is likely to be tolerated. In summary, the available evidence is currently insufficient to determine the role of this variant in disease. Therefore, it has been classified as a Variant of Uncertain Significance.

Breakthrough Genomics
Classification: Uncertain significance. Review status: criteria provided, single submitter. Criteria: ACMG Guidelines, 2015. Collection method: not provided. Allele origin: germline. Inheritance: Autosomal dominant inheritance. Affected: yes.

NM_001282933.2(ZNF341):c.1249C>T (p.Pro417Ser)

Gene: ZNF341 (zinc finger protein 341; plus strand). Cytogenetic location: 20q11.22.
Variant type: single nucleotide variant.
Coding change: c.1249C>T on transcript NM_001282933.2 (MANE Select); coding-DNA position 1249, C replaced by T.
Protein change: p.Pro417Ser; replaces proline 417 with serine.
Molecular consequence: missense variant. On other transcripts: non-coding transcript variant (1).
Genome position (GRCh38, 1-based): chr20:33,766,877, C>T. VCF-style: chr20-33766877-C-T. GRCh37 (hg19) VCF-style: chr20-32354683-C-T.
Other names: c.979C>T, p.Pro327Ser (NM_001282935.2); c.1228C>T, p.Pro410Ser (NM_032819.5); short protein forms P410S, P327S, P417S.
Identifiers: ClinVar variation 1413069 (VCV001413069.6), dbSNP rs140769699, ClinGen allele CA9819408.